The following is an entry in ClinVar:

ClinVar aggregate classification (germline): Uncertain significance (1 of 4 stars; one submission).

Conditions:
Polycystic kidney disease, adult type (PKD1). Also called: Polycystic Kidney Disease 1, Autosomal Dominant; Polycystic kidney disease 1; Polycystic kidney disease 1, severe; POLYCYSTIC KIDNEY DISEASE, ADULT, TYPE I; Polycystic Kidney, Autosomal Dominant; POLYCYSTIC KIDNEY DISEASE 1 WITH OR WITHOUT POLYCYSTIC LIVER DISEASE. Identifiers: MedGen C3149841, MONDO:0008263, OMIM 173900.

Submission:

MVZ Medizinische Genetik Mainz
Classification: Uncertain significance for Polycystic kidney disease, adult type. Last evaluated: 2024-05-24. Review status: criteria provided, single submitter. Criteria: UK Practice Guidelines For Variant Classification V4 01 2020. Collection method: clinical testing. Allele origin: germline. Inheritance: Autosomal dominant inheritance. Affected: yes. Observed: 1 variant allele.
Comment: ACMG Criteria: PM2_SUP,PP3

NM_001009944.3(PKD1):c.5249A>G (p.Tyr1750Cys)

Gene: PKD1 (polycystin 1, transient receptor potential channel interacting; minus strand). Cytogenetic location: 16p13.3.
Variant type: single nucleotide variant.
Coding change: c.5249A>G on transcript NM_001009944.3 (MANE Select); coding-DNA position 5249, A replaced by G.
Protein change: p.Tyr1750Cys; replaces tyrosine 1750 with cysteine.
Molecular consequence: missense variant.
Genome position (GRCh38, 1-based): chr16:2,109,918, T>C on the plus strand (A>G on the coding strand, the complement: PKD1 is on the minus strand). VCF-style: chr16-2109918-T-C. GRCh37 (hg19) VCF-style: chr16-2159919-T-C.
Other names: c.5249A>G, p.Tyr1750Cys (NM_000296.4); short protein forms Y1750C.
Identifiers: ClinVar variation 3256877 (VCV003256877.1).